The following is an entry in ClinVar:

ClinVar aggregate classification (germline): Uncertain significance (1 of 4 stars; one submission).

Conditions:
Inborn genetic diseases. Identifiers: MedGen C0950123, MeSH D030342.

Submission:

Ambry Genetics
Classification: Uncertain significance for Inborn genetic diseases. Last evaluated: 2026-04-11. Review status: criteria provided, single submitter. Criteria: Ambry Variant Classification Scheme 2023. Collection method: clinical testing. Allele origin: germline.
Comment: The p.M756V variant (also known as c.2266A>G) is located in coding exon 25 of the RTEL1 gene. The methionine at codon 756 is replaced by valine, an amino acid with highly similar properties. This change occurs in the first base pair of coding exon 25. This amino acid position is conserved. In addition, this alteration is predicted to be tolerated by in silico analysis. Based on the available evidence, the clinical significance of this variant remains unclear.

NM_001283009.2(RTEL1):c.2266A>G (p.Met756Val)

Genes: RTEL1 (regulator of telomere elongation helicase 1; plus strand), RTEL1-TNFRSF6B (RTEL1-TNFRSF6B readthrough (NMD candidate); plus strand). Cytogenetic location: 20q13.33.
Variant type: single nucleotide variant.
Coding change: c.2266A>G on transcript NM_001283009.2 (MANE Select); coding-DNA position 2266, A replaced by G.
Protein change: p.Met756Val; replaces methionine 756 with valine.
Molecular consequence: missense variant. On other transcripts: non-coding transcript variant (1).
Genome position (GRCh38, 1-based): chr20:63,690,294, A>G. VCF-style: chr20-63690294-A-G. GRCh37 (hg19) VCF-style: chr20-62321647-A-G.
Other names: c.1597A>G, p.Met533Val (NM_001283010.1); c.2266A>G, p.Met756Val (NM_016434.4); c.2338A>G, p.Met780Val (NM_032957.5); short protein forms M533V, M756V, M780V.
Identifiers: ClinVar variation 4863546 (VCV004863546.1).